The following is an entry in ClinVar:

NM_000232.5(SGCB):c.731G>A (p.Gly244Asp)

Gene: SGCB (sarcoglycan beta; minus strand). Cytogenetic location: 4q12.
Variant type: single nucleotide variant.
Coding change: c.731G>A on transcript NM_000232.5 (MANE Select); coding-DNA position 731, G replaced by A.
Protein change: p.Gly244Asp; replaces glycine 244 with aspartic acid.
Molecular consequence: missense variant.
Genome position (GRCh38, 1-based): chr4:52,027,990, C>T on the plus strand (G>A on the coding strand, the complement: SGCB is on the minus strand). VCF-style: chr4-52027990-C-T. GRCh37 (hg19) VCF-style: chr4-52894156-C-T.
Other names: short protein forms G244D.
Identifiers: ClinVar variation 1398290 (VCV001398290.6), dbSNP rs570902880, ClinGen allele CA2918309.

ClinVar aggregate classification (germline): Uncertain significance (1 of 4 stars; one submission).

Conditions:
Autosomal recessive limb-girdle muscular dystrophy type 2E (LGMDR4). Also called: MUSCULAR DYSTROPHY, LIMB-GIRDLE, AUTOSOMAL RECESSIVE 4. Identifiers: Orphanet 119, MedGen C1858593, MONDO:0011423, OMIM 604286. Disease mechanism: Affects gamma-sarcoglycan and also disrupts the integrity of the entire sarcoglycan complex..

Allele frequency attached by ClinVar (database versions not stated): ExAC 0.00001; gnomAD 0.00001; gnomAD exomes 0.00001; 1000 Genomes Project 30x 0.00016; 1000 Genomes Project 0.00020.
gnomAD v4.1: 3 of 1,613,842 alleles (0.00019%); highest among the groups gnomAD compares: Admixed American, 0.0033%; no homozygotes.

Submission:

Labcorp Genetics (formerly Invitae), Labcorp
Classification: Uncertain significance for Autosomal recessive limb-girdle muscular dystrophy type 2E. Last evaluated: 2022-06-27. Review status: criteria provided, single submitter. Criteria: Invitae Variant Classification Sherloc (09022015). Collection method: clinical testing. Allele origin: germline.
Comment: In summary, the available evidence is currently insufficient to determine the role of this variant in disease. Therefore, it has been classified as a Variant of Uncertain Significance. Algorithms developed to predict the effect of missense changes on protein structure and function (SIFT, PolyPhen-2, Align-GVGD) all suggest that this variant is likely to be tolerated. This variant has not been reported in the literature in individuals affected with SGCB-related conditions. This variant is present in population databases (rs570902880, gnomAD 0.006%). This sequence change replaces glycine, which is neutral and non-polar, with aspartic acid, which is acidic and polar, at codon 244 of the SGCB protein (p.Gly244Asp).